The following is an entry in ClinVar:

ClinVar aggregate classification (germline): Conflicting classifications of pathogenicity. Review status: criteria provided, conflicting classifications (1 of 4 stars). 17 submissions from 17 submitters: Pathogenic (8); Likely pathogenic (3); Uncertain significance (1). 5 of the submissions do not count toward it. Last evaluated 2026-09-09.

Conditions:
Inborn genetic diseases. Identifiers: MedGen C0950123, MeSH D030342.
Skeletal myopathy. Also called: Skeletal muscle disease; Skeletal muscle disorder. Identifiers: Orphanet 98472, MedGen C1533847, MONDO:0020120, HP:0003756.
Dyneinopathy. Identifiers: MedGen CN378146, MONDO:1040031.
DYNC1H1-related disorder. Also called: DYNC1H1-related condition; DYNC1H1-related disorders. Identifiers: MedGen CN381529.
Autosomal dominant childhood-onset proximal spinal muscular atrophy without contractures. Also called: SPINAL MUSCULAR ATROPHY, CHILDHOOD, PROXIMAL, AUTOSOMAL DOMINANT; SPINAL MUSCULAR ATROPHY, JUVENILE, PROXIMAL, AUTOSOMAL DOMINANT; Spinal muscular atrophy, lower extremity-predominant 1, AD; KUGELBERG-WELANDER SYNDROME, AUTOSOMAL DOMINANT. Identifiers: Orphanet 209341, Orphanet 363447, MedGen C5780022, MONDO:0008026, OMIM 158600.
Charcot-Marie-Tooth disease axonal type 2O. Also called: Charcot-Marie-Tooth Neuropathy Type 2O; CHARCOT-MARIE-TOOTH NEUROPATHY, AXONAL, TYPE 2O; CHARCOT-MARIE-TOOTH DISEASE, AXONAL, AUTOSOMAL DOMINANT, TYPE 2O; Charcot-Marie-Tooth disease, axonal, type 20. Identifiers: Orphanet 284232, MedGen C3280220, MONDO:0013644, OMIM 614228.
Pes cavus. Identifiers: MedGen C0728829, HP:0001761.
Hammertoe. Identifiers: MedGen C1136179, HP:0001765.
Myopathy. Identifiers: MedGen C0026848, MeSH D009135, MONDO:0005336, HP:0003198.
Distal lower limb amyotrophy. Identifiers: MedGen C1836451, HP:0008944.

Submissions 1 to 7 of 17:

The Shared Resource Centre "Genome", Research Centre for Medical Genetics
Classification: Pathogenic. Last evaluated: 2026-09-09. Review status: criteria provided, single submitter. Criteria: ACMG Guidelines, 2015. Collection method: clinical testing. Allele origin: germline. Inheritance: Autosomal dominant inheritance. Affected: yes. Observed: 1 variant allele, 1 heterozygote.
Comment: a nucleotide sequence variant in exon 4 of the DYNC1H1 gene (chr14:101979951C>T) was identified in a heterozygous state; this variant previously described as pathogenic (HGMD_ID CM1618873) results in a missense substitution (NM_001376.5: c.751C>T, p.(Arg251Cys)). This variant has been described in a heterozygous state in cases of DYNC1H1-associated spinal muscular atrophy [PMID: 30122514, PMID: 37337091, PMID: 35606327]. The identified variant is not recorded in the Genome Aggregation Database (gnomAD v3.1.2) control cohort. Pathogenicity prediction algorithms for missense variants (fathmm_MKL_coding, M_CAP, PROVEAN, SIFT, Polyphen2_HVAR, Polyphen2_HDIV, DEOGEN2, LRT, PrimateAI) classify this variant as likely pathogenic, whereas FATHMM and MutationAssessor classify it as neutral. Comprehensive pathogenicity assessment by meta-predictors yields the following results: MetaSVM—neutral; MetaLR—neutral. Based on the totality of the evidence, this variant should be classified as pathogenic.

Women's Health and Genetics/Laboratory Corporation of America, LabCorp
Classification: Pathogenic for Charcot-Marie-Tooth disease axonal type 2O. Last evaluated: 2025-02-19. Review status: criteria provided, single submitter. Criteria: LabCorp Variant Classification Summary - May 2015. Collection method: clinical testing. Allele origin: germline.
Comment: Variant summary: DYNC1H1 c.751C>T (p.Arg251Cys) results in a non-conservative amino acid change in the encoded protein sequence. Four of five in-silico tools predict a damaging effect of the variant on protein function. The variant was absent in 251334 control chromosomes. c.751C>T has been reported in the literature as a de novo occurrence in individuals affected with spinal muscular atrophy with lower extremity predominance (examples: Perrone_2022, Chan_2018). These data indicate that the variant is likely to be associated with disease. The following publications have been ascertained in the context of this evaluation (PMID: 35606327, 30122514). ClinVar contains an entry for this variant (Variation ID: 374099). Based on the evidence outlined above, the variant was classified as pathogenic.

Clinical Omics and Informatics (COIN) Unit, Neuroscience Institute, University Of Cape Town
Classification: Likely pathogenic for Dyneinopathy. Last evaluated: 2025-02-10. Review status: criteria provided, single submitter. Criteria: ACMG Guidelines, 2015. Collection method: research. Allele origin: germline. Inheritance: Autosomal dominant inheritance. Affected: yes. Observed: 1 variant allele, 1 heterozygote.
Comment: This variant is absent from gnomAD v4.0 (adequate coverage >20X confirmed). PM1 Not Met: pathogenic variants are distributed throughout the protein. Arginine (R) at position 251 in DYNC1H1 is a highly conserved amino acid residue. PP3 Not Met: Revel score is 0.552. PM5_Met: Multiple missense changes affecting the same amino acid are reported to be pathogenic (PMID:26392352, PMID:30122514): 751C>A (p.Arg251Ser), c.751C>T (p.Arg251Cys), c.751C>G (p.Arg251Gly) and c.752G>A (p.Arg251His). PS2 Met: 2.5 points awarded for 5 unrelated probands with a phenotype consistent with the DYNC1H1 gene but not highly specific and de novo heterozygous observations of the DYNC1H1 c.751C>T(p.Arg251Cys) variant (PMID:30122514, PMID:35606327). Sequencing funded by the International Centre for Genomic Medicine in Neuromuscular Diseases (ICGNMD).

3billion
Classification: Pathogenic for DYNC1H1-related disorder. Last evaluated: 2024-10-08. Review status: criteria provided, single submitter. Criteria: ACMG Guidelines, 2015. Collection method: clinical testing. Allele origin: germline. Affected: yes.
Comment: The variant is not observed in the gnomAD v4.1.0 dataset. Predicted Consequence/Location: Missense variant. Missense changes are a common disease-causing mechanism. The same nucleotide change resulting in the same amino acid change has been previously reported as pathogenic/likely pathogenic with strong evidence (ClinVar ID: VCV000374099 /PMID: 26633542 /3billion dataset).The variant has been previously reported as assumed (i.e. paternity and maternity not confirmed) de novo in at least two similarly affected unrelated individuals (PMID: 30122514).Different missense changes at the same codon (p.Arg251Gly, p.Arg251His, p.Arg251Leu, p.Arg251Ser) have been reported as pathogenic/likely pathogenic with strong evidence (ClinVar ID: VCV000197195, VCV000245868, VCV001315552 /PMID: 26392352, 34368388 /3billion dataset). Therefore, this variant is classified as Pathogenic according to the recommendation of ACMG/AMP guideline.

Labcorp Genetics (formerly Invitae), Labcorp
Classification: Pathogenic for Charcot-Marie-Tooth disease axonal type 2O. Last evaluated: 2024-05-02. Review status: criteria provided, single submitter. Criteria: Invitae Variant Classification Sherloc (09022015). Collection method: clinical testing. Allele origin: germline.
Comment: This sequence change replaces arginine, which is basic and polar, with cysteine, which is neutral and slightly polar, at codon 251 of the DYNC1H1 protein (p.Arg251Cys). This variant is not present in population databases (gnomAD no frequency). This missense change has been observed in individual(s) with spinal muscular atrophy with lower extremity predominance (PMID: 30122514). In at least one individual the variant was observed to be de novo. ClinVar contains an entry for this variant (Variation ID: 374099). Advanced modeling of protein sequence and biophysical properties (such as structural, functional, and spatial information, amino acid conservation, physicochemical variation, residue mobility, and thermodynamic stability) performed at Invitae indicates that this missense variant is expected to disrupt DYNC1H1 protein function with a positive predictive value of 95%. This variant disrupts the p.Arg251 amino acid residue in DYNC1H1. Other variant(s) that disrupt this residue have been determined to be pathogenic (PMID: 26392352; Invitae). This suggests that this residue is clinically significant, and that variants that disrupt this residue are likely to be disease-causing. For these reasons, this variant has been classified as Pathogenic.

Ambry Genetics
Classification: Pathogenic for Inborn genetic diseases. Last evaluated: 2024-02-08. Review status: criteria provided, single submitter. Criteria: Ambry Variant Classification Scheme 2023. Collection method: clinical testing. Allele origin: germline.
Comment: The c.751C>T (p.R251C) alteration is located in coding exon 4 of the DYNC1H1 gene. This alteration results from a C to T substitution at nucleotide position 751, causing the arginine (R) at amino acid position 251 to be replaced by a cysteine (C). This variant was not reported in population-based cohorts in the Genome Aggregation Database (gnomAD). This variant has been determined to be the result of a de novo mutation in multiple individuals with features consistent with spinal muscular atrophy (Chan, 2018; Fern&aacute;ndez Perrone, 2022). This alteration was also reported in a patient with an unspecified abnormality of the nervous system (Retterer, 2016). Two other alterations at the same codon, c.752G>A (p.R251H) and c.752G>T (p.R251L), have been detected in patients with features consistent with DYNC1H1-related neurologic disorders (Antoniadi, 2015; Derksen, 2021). The p.R251 amino acid is conserved in available vertebrate species. This missense alteration is located in a region that has a low rate of benign missense variation (Lek, 2016; Firth, 2009). The in silico prediction for the p.R251C alteration is inconclusive. Based on the available evidence, this alteration is classified as pathogenic.

Blueprint Genetics
Classification: Pathogenic for DYNC1H1-related disorders. Last evaluated: 2023-11-28. Review status: criteria provided, single submitter. Criteria: ACMG Guidelines, 2015. Collection method: clinical testing. Allele origin: germline. Affected: yes. Observed: 1 variant allele.

NM_001376.5(DYNC1H1):c.751C>T (p.Arg251Cys)

Gene: DYNC1H1 (dynein cytoplasmic 1 heavy chain 1; plus strand). Cytogenetic location: 14q32.31.
Variant type: single nucleotide variant.
Coding change: c.751C>T on transcript NM_001376.5 (MANE Select); coding-DNA position 751, C replaced by T.
Protein change: p.Arg251Cys; replaces arginine 251 with cysteine.
Molecular consequence: missense variant.
Genome position (GRCh38, 1-based): chr14:101,979,951, C>T. VCF-style: chr14-101979951-C-T. GRCh37 (hg19) VCF-style: chr14-102446288-C-T.
Other names: short protein forms R251C.
Identifiers: ClinVar variation 374099 (VCV000374099.94), dbSNP rs879253979, ClinGen allele CA16043476.
Genomic context (GRCh38, chr14:101,979,951, plus strand): 5'-GACTTTGGTGATAAGGTTGAAGACCCAACATTTCTTAATCAGTTACAATCTGGAGTTAAC[C>T]GCTGGATCCGAGAAATTCAAAAAGTAAGAGCACAGGATTGAAAGTTATGTAAAATATGTT-3'
Protein context (NP_001367.2, residues 241-261): FLNQLQSGVN[Arg251Cys]WIREIQKVTK